The following is an entry in ClinVar:

ClinVar aggregate classification (germline): Uncertain significance. Review status: criteria provided, multiple submitters, no conflicts (2 of 4 stars). 2 submissions from 2 submitters: Uncertain significance (2). Last evaluated 2026-03-24.

Conditions:
Hypertrophic cardiomyopathy. Also called: HYPERTROPHIC MYOCARDIOPATHY. Identifiers: Orphanet 217569, MedGen C0007194, MeSH D002312, MONDO:0005045, HP:0001639.

Allele frequency attached by ClinVar (database versions not stated): ExAC 0.00001; gnomAD exomes below 0.00001.
gnomAD v4.1: 2 of 1,613,062 alleles (0.00012%); highest among the groups gnomAD compares: Middle Eastern, 0.02%; no homozygotes.

Submissions (2):

GeneDx
Classification: Uncertain significance. Last evaluated: 2026-03-24. Review status: criteria provided, single submitter. Criteria: GeneDx Variant Classification Process June 2021. Collection method: clinical testing. Allele origin: germline.
Comment: Not observed at significant frequency in large population cohorts (gnomAD); In silico analysis supports that this missense variant has a deleterious effect on protein structure/function; Has not been previously published as pathogenic or benign to our knowledge

Labcorp Genetics (formerly Invitae), Labcorp
Classification: Uncertain significance for Hypertrophic cardiomyopathy. Last evaluated: 2023-07-16. Review status: criteria provided, single submitter. Criteria: Invitae Variant Classification Sherloc (09022015). Collection method: clinical testing. Allele origin: germline.
Comment: This sequence change replaces alanine, which is neutral and non-polar, with threonine, which is neutral and polar, at codon 1406 of the MYH7 protein (p.Ala1406Thr). In summary, the available evidence is currently insufficient to determine the role of this variant in disease. Therefore, it has been classified as a Variant of Uncertain Significance. Advanced modeling of protein sequence and biophysical properties (such as structural, functional, and spatial information, amino acid conservation, physicochemical variation, residue mobility, and thermodynamic stability) performed at Invitae indicates that this missense variant is expected to disrupt MYH7 protein function. ClinVar contains an entry for this variant (Variation ID: 1981076). This variant has not been reported in the literature in individuals affected with MYH7-related conditions. This variant is present in population databases (rs781659682, gnomAD 0.0009%).

NM_000257.4(MYH7):c.4216G>A (p.Ala1406Thr)

Gene: MYH7 (myosin heavy chain 7; minus strand). Cytogenetic location: 14q11.2.
Variant type: single nucleotide variant.
Coding change: c.4216G>A on transcript NM_000257.4 (MANE Select); coding-DNA position 4216, G replaced by A.
Protein change: p.Ala1406Thr; replaces alanine 1406 with threonine.
Molecular consequence: missense variant.
Genome position (GRCh38, 1-based): chr14:23,417,640, C>T on the plus strand (G>A on the coding strand, the complement: MYH7 is on the minus strand). VCF-style: chr14-23417640-C-T. GRCh37 (hg19) VCF-style: chr14-23886849-C-T.
Other names: c.4216G>A, p.Ala1406Thr (NM_001407004.1); short protein forms A1406T.
Identifiers: ClinVar variation 1981076 (VCV001981076.5), dbSNP rs781659682, ClinGen allele CA041281.
Genomic context (GRCh38, chr14:23,417,640, plus strand): 5'-CGATCTCATTCTGTAGCCGGTGCTTGGTCTTCTCCAGCGAGGAGCACTTGGCATTAACAG[C>T]CTCCACGGCCTCCTCAGCTTCCTGCAGCCGCTGGGCCAGCTTCTTCCTGCCCAGGGGAGG-3'
Protein context (NP_000248.2, residues 1396-1416): RLQEAEEAVE[Ala1406Thr]VNAKCSSLEK